The following is an entry in ClinVar:

NM_001378457.1(DMXL2):c.4872C>A (p.Asp1624Glu)

Gene: DMXL2 (Dmx like 2; minus strand). Cytogenetic location: 15q21.2.
Variant type: single nucleotide variant.
Coding change: c.4872C>A on transcript NM_001378457.1 (MANE Select); coding-DNA position 4872, C replaced by A.
Protein change: p.Asp1624Glu; replaces aspartic acid 1624 with glutamic acid.
Molecular consequence: missense variant. On other transcripts: non-coding transcript variant (2).
Genome position (GRCh38, 1-based): chr15:51,491,659, G>T on the plus strand (C>A on the coding strand, the complement: DMXL2 is on the minus strand). VCF-style: chr15-51491659-G-T. GRCh37 (hg19) VCF-style: chr15-51783856-G-T.
Other names: c.4872C>A, p.Asp1624Glu (NM_001378458.1, NM_001378459.1, NM_001378461.1 and 4 more transcripts); c.2853C>A, p.Asp951Glu (NM_001378460.1); c.4632C>A, p.Asp1544Glu (NM_001378464.1); c.2964C>A, p.Asp988Glu (NM_001174117.3); short protein forms D1624E, D1544E, D951E, D988E.
Identifiers: ClinVar variation 2191366 (VCV002191366.1), dbSNP rs780795755, ClinGen allele CA7561931.
Genomic context (GRCh38, chr15:51,491,659, plus strand): 5'-CGTGTTAATGTTCCTCACCCACCATCCTATGCCCATAGCTCTTAATTCAGACCACTGGGG[G>T]TCCCCTCTCTGAATTGCTGGAATCATATTAATCAGTTCTTCTTCAGCCTCAGAATGAAAA-3'
Protein context (NP_001365386.1, residues 1614-1634): INMIPAIQRG[Asp1624Glu]PQWSELRAMG

ClinVar aggregate classification (germline): Uncertain significance (1 of 4 stars; one submission).

Allele frequency attached by ClinVar (database versions not stated): ExAC 0.00007.
gnomAD v4.1: 31 of 1,613,356 alleles (0.0019%); highest among the groups gnomAD compares: Admixed American, 0.027%; no homozygotes.

Submission:

Labcorp Genetics (formerly Invitae), Labcorp
Classification: Uncertain significance. Last evaluated: 2022-10-17. Review status: criteria provided, single submitter. Criteria: Invitae Variant Classification Sherloc (09022015). Collection method: clinical testing. Allele origin: germline.
Comment: This sequence change replaces aspartic acid, which is acidic and polar, with glutamic acid, which is acidic and polar, at codon 1624 of the DMXL2 protein (p.Asp1624Glu). This variant is present in population databases (rs780795755, gnomAD 0.04%). This variant has not been reported in the literature in individuals affected with DMXL2-related conditions. Algorithms developed to predict the effect of missense changes on protein structure and function are either unavailable or do not agree on the potential impact of this missense change (SIFT: "Tolerated"; PolyPhen-2: "Probably Damaging"; Align-GVGD: "Class C0"). In summary, the available evidence is currently insufficient to determine the role of this variant in disease. Therefore, it has been classified as a Variant of Uncertain Significance.